The following is an entry in ClinVar:

ClinVar aggregate classification (germline): Uncertain significance (1 of 4 stars; one submission).

Allele frequency attached by ClinVar (database versions not stated): gnomAD exomes below 0.00001; gnomAD 0.00001; ExAC 0.00003.

Submission:

Labcorp Genetics (formerly Invitae), Labcorp
Classification: Uncertain significance. Last evaluated: 2024-09-27. Review status: criteria provided, single submitter. Criteria: Invitae Variant Classification Sherloc (09022015). Collection method: clinical testing. Allele origin: germline.
Comment: This sequence change replaces aspartic acid, which is acidic and polar, with asparagine, which is neutral and polar, at codon 2477 of the DCHS1 protein (p.Asp2477Asn). This variant is present in population databases (rs757510065, gnomAD 0.007%). This variant has not been reported in the literature in individuals affected with DCHS1-related conditions. ClinVar contains an entry for this variant (Variation ID: 2135008). Invitae Evidence Modeling of protein sequence and biophysical properties (such as structural, functional, and spatial information, amino acid conservation, physicochemical variation, residue mobility, and thermodynamic stability) indicates that this missense variant is not expected to disrupt DCHS1 protein function with a negative predictive value of 80%. In summary, the available evidence is currently insufficient to determine the role of this variant in disease. Therefore, it has been classified as a Variant of Uncertain Significance.

NM_003737.4(DCHS1):c.7429G>A (p.Asp2477Asn)

Gene: DCHS1 (dachsous cadherin-related 1; minus strand). Cytogenetic location: 11p15.4.
Variant type: single nucleotide variant.
Coding change: c.7429G>A on transcript NM_003737.4 (MANE Select); coding-DNA position 7429, G replaced by A.
Protein change: p.Asp2477Asn; replaces aspartic acid 2477 with asparagine.
Molecular consequence: missense variant.
Genome position (GRCh38, 1-based): chr11:6,624,247, C>T on the plus strand (G>A on the coding strand, the complement: DCHS1 is on the minus strand). VCF-style: chr11-6624247-C-T. GRCh37 (hg19) VCF-style: chr11-6645478-C-T.
Other names: short protein forms D2477N.
Identifiers: ClinVar variation 2135008 (VCV002135008.4), dbSNP rs757510065, ClinGen allele CA5859605.